The following is an entry in ClinVar:

ClinVar aggregate classification (germline): Uncertain significance (1 of 4 stars; one submission).

Conditions:
Neuropathy, hereditary sensory and autonomic, type 2A (HSAN2A). Also called: ACROOSTEOLYSIS, GIACCAI TYPE; ACROOSTEOLYSIS, NEUROGENIC; MORVAN DISEASE; NEUROPATHY, CONGENITAL SENSORY; NEUROPATHY, HEREDITARY SENSORY RADICULAR, AUTOSOMAL RECESSIVE; NEUROPATHY, HEREDITARY SENSORY, TYPE IIA. Identifiers: Orphanet 970, MedGen C2752089, MONDO:0024309, OMIM 201300.
Generalized epilepsy with febrile seizures plus, type 7 (GEFSP7). Also called: GEFS+, TYPE 7. Identifiers: Orphanet 36387, MedGen C2751778, MONDO:0013470, OMIM 613863.

Allele frequency attached by ClinVar (database versions not stated): gnomAD exomes below 0.00001.
gnomAD v4.1: 2 of 1,608,374 alleles (0.00012%); highest among the groups gnomAD compares: East Asian, 0.0045%; no homozygotes.

Submission:

Labcorp Genetics (formerly Invitae), Labcorp
Classification: Uncertain significance for Neuropathy, hereditary sensory and autonomic, type 2A; Generalized epilepsy with febrile seizures plus, type 7. Last evaluated: 2023-07-16. Review status: criteria provided, single submitter. Criteria: Invitae Variant Classification Sherloc (09022015). Collection method: clinical testing. Allele origin: germline.
Comment: In summary, the available evidence is currently insufficient to determine the role of this variant in disease. Therefore, it has been classified as a Variant of Uncertain Significance. Advanced modeling of protein sequence and biophysical properties (such as structural, functional, and spatial information, amino acid conservation, physicochemical variation, residue mobility, and thermodynamic stability) has been performed at Invitae for this missense variant, however the output from this modeling did not meet the statistical confidence thresholds required to predict the impact of this variant on SCN9A protein function. This variant has not been reported in the literature in individuals affected with SCN9A-related conditions. The frequency data for this variant in the population databases is considered unreliable, as metrics indicate poor data quality at this position in the gnomAD database. This sequence change replaces glycine, which is neutral and non-polar, with cysteine, which is neutral and slightly polar, at codon 340 of the SCN9A protein (p.Gly340Cys).

NM_001365536.1(SCN9A):c.1018G>T (p.Gly340Cys)

Genes: SCN1A-AS1 (SCN1A and SCN9A antisense RNA 1; plus strand), SCN9A (sodium voltage-gated channel alpha subunit 9; minus strand). Cytogenetic location: 2q24.3.
Variant type: single nucleotide variant.
Coding change: c.1018G>T on transcript NM_001365536.1 (MANE Select); coding-DNA position 1018, G replaced by T.
Protein change: p.Gly340Cys; replaces glycine 340 with cysteine.
Molecular consequence: missense variant.
Genome position (GRCh38, 1-based): chr2:166,293,320, C>A on the plus strand (G>T on the coding strand, the complement: SCN9A is on the minus strand). VCF-style: chr2-166293320-C-A. GRCh37 (hg19) VCF-style: chr2-167149830-C-A.
Other names: c.1018G>T, p.Gly340Cys (NM_002977.4); short protein forms G340C.
Identifiers: ClinVar variation 2949909 (VCV002949909.3), dbSNP rs1381274568, ClinGen allele CA349089182.